The following is an entry in ClinVar:

ClinVar aggregate classification (germline): Conflicting classifications of pathogenicity. Review status: criteria provided, conflicting classifications (1 of 4 stars). 2 submissions from 2 submitters: Uncertain significance (1); Likely benign (1). Last evaluated 2024-05-06.

Conditions:
Hereditary cancer-predisposing syndrome. Also called: Tumor predisposition; Hereditary Cancer Syndrome; Hereditary neoplastic syndrome; Neoplastic Syndromes, Hereditary. Identifiers: Orphanet 140162, MedGen C0027672, MeSH D009386, MONDO:0015356.
POLD1-related polyposis and colorectal cancer syndrome (CRCS10). Also called: Colorectal cancer 10; COLORECTAL CANCER, SUSCEPTIBILITY TO, ON CHROMOSOME 19q; Colorectal cancer, susceptibility to, 10. Identifiers: Orphanet 220460, MedGen C2675481, MONDO:0012953, OMIM 612591.

Submissions (2):

Labcorp Genetics (formerly Invitae), Labcorp
Classification: Uncertain significance for POLD1-related polyposis and colorectal cancer syndrome. Last evaluated: 2024-05-06. Review status: criteria provided, single submitter. Criteria: Invitae Variant Classification Sherloc (09022015). Collection method: clinical testing. Allele origin: germline.
Comment: This sequence change affects codon 710 of the POLD1 mRNA. It is a 'silent' change, meaning that it does not change the encoded amino acid sequence of the POLD1 protein. This variant is not present in population databases (gnomAD no frequency). This variant has not been reported in the literature in individuals affected with POLD1-related conditions. ClinVar contains an entry for this variant (Variation ID: 1786394). Algorithms developed to predict the effect of sequence changes on RNA splicing suggest that this variant may disrupt the consensus splice site. In summary, the available evidence is currently insufficient to determine the role of this variant in disease. Therefore, it has been classified as a Variant of Uncertain Significance.

Ambry Genetics
Classification: Likely benign for Hereditary cancer-predisposing syndrome. Last evaluated: 2021-06-13. Review status: criteria provided, single submitter. Criteria: Ambry Variant Classification Scheme 2023. Collection method: clinical testing. Allele origin: germline.

NM_002691.4(POLD1):c.2130G>A (p.Lys710=)

Gene: POLD1 (DNA polymerase delta 1, catalytic subunit; plus strand). Cytogenetic location: 19q13.33.
Variant type: single nucleotide variant.
Coding change: c.2130G>A on transcript NM_002691.4 (MANE Select); coding-DNA position 2130, G replaced by A.
Protein change: p.Lys710=; no amino-acid change (lysine 710 retained).
Molecular consequence: synonymous variant. On other transcripts: non-coding transcript variant (1).
Genome position (GRCh38, 1-based): chr19:50,409,642, G>A. VCF-style: chr19-50409642-G-A. GRCh37 (hg19) VCF-style: chr19-50912899-G-A.
Other names: c.2130G>A, p.Lys710= (NM_001256849.1); c.2208G>A, p.Lys736= (NM_001308632.1).
Identifiers: ClinVar variation 1786394 (VCV001786394.4), dbSNP rs2122389370, ClinGen allele CA508185949.